The following is an entry in ClinVar:

ClinVar aggregate classification (germline): Pathogenic/Likely pathogenic. Review status: criteria provided, multiple submitters, no conflicts (2 of 4 stars). 16 submissions from 15 submitters: Pathogenic (11); Likely pathogenic (3). 2 of the submissions do not count toward it. Last evaluated 2026-06-16.

Conditions:
Autosomal recessive AMACR-related disorders.
AMACR-related disorder. Also called: AMACR-related condition; AMACR-Related Disorders.
Inborn genetic diseases. Identifiers: MedGen C0950123, MeSH D030342.
Alpha-methylacyl-CoA racemase deficiency (AMACRD). Also called: AMACR deficiency. Identifiers: Orphanet 79095, MedGen C3280428, MONDO:0013681, OMIM 614307. Disease mechanism: loss of function.
Congenital bile acid synthesis defect 4 (CBAS4). Also called: CHOLESTASIS, INTRAHEPATIC, WITH DEFECTIVE CONVERSION OF TRIHYDROXYCOPROSTANIC ACID TO CHOLIC ACID; TRIHYDROXYCOPROSTANIC ACID IN BILE. Identifiers: Orphanet 79095, MedGen C1858328, MONDO:0008967, OMIM 214950.

Allele frequency attached by ClinVar (database versions not stated): gnomAD exomes 0.00034 and 0.00090; TOPMed 0.00040; gnomAD 0.00045 and 0.00049; ExAC 0.00060.
gnomAD v4.1: 1,329 of 1,589,586 alleles (0.084%); highest among the groups gnomAD compares: Non-Finnish European, 0.11%; no homozygotes.

Submissions 1 to 11 of 16:

PreventionGenetics, part of Exact Sciences
Classification: Pathogenic for AMACR-related condition. Last evaluated: 2026-06-16. Review status: criteria provided, single submitter. Criteria: ACMG Guidelines, 2015. Collection method: clinical testing. Allele origin: germline.
Comment: The AMACR c.154T>C variant is predicted to result in the amino acid substitution p.Ser52Pro. This variant has been reported in the homozygous state in multiple individuals with α-methylacyl-CoA racemase deficiency (Ferdinandusse et al. 2000. PubMed ID: 10655068; Smith et al. 2010. PubMed ID: 20821052), an individual with autosomal recessive cerebellar ataxia (Dick et al. 2011. PubMed ID: 21576695), and an individual with leigh-like, optic atrophy, and exercise intolerance (Theunissen et al. 2018. PubMed ID: 30369941). Functional in vitro studies showed that this variant negatively affects enzyme activity (Ferdinandusse et al. 2000. PubMed ID: 10655068). This variant is reported in 0.071% of alleles in individuals of European (Non-Finnish) descent in gnomAD. This variant is interpreted as pathogenic.

Labcorp Genetics (formerly Invitae), Labcorp
Classification: Pathogenic for Alpha-methylacyl-CoA racemase deficiency. Last evaluated: 2026-02-02. Review status: criteria provided, single submitter. Criteria: Invitae Variant Classification Sherloc (09022015). Collection method: clinical testing. Allele origin: germline.
Comment: This sequence change replaces serine, which is neutral and polar, with proline, which is neutral and non-polar, at codon 52 of the AMACR protein (p.Ser52Pro). This variant is present in population databases (rs121917814, gnomAD 0.07%). This missense change has been observed in individuals with alpha-methylacyl-CoA racemase deficiency (PMID: 10655068, 20821052, 21576695, 21686617, 30369941). ClinVar contains an entry for this variant (Variation ID: 5523). Invitae Evidence Modeling of protein sequence and biophysical properties (such as structural, functional, and spatial information, amino acid conservation, physicochemical variation, residue mobility, and thermodynamic stability) indicates that this missense variant is expected to disrupt AMACR protein function with a positive predictive value of 80%. Experimental studies have shown that this missense change affects AMACR function (PMID: 10655068). For these reasons, this variant has been classified as Pathogenic.

Women's Health and Genetics/Laboratory Corporation of America, LabCorp
Classification: Pathogenic for AMACR-Related Disorders. Last evaluated: 2025-07-29. Review status: criteria provided, single submitter. Criteria: LabCorp Variant Classification Summary - May 2015. Collection method: clinical testing. Allele origin: germline.
Comment: Variant summary: AMACR c.154T>C (p.Ser52Pro) results in a non-conservative amino acid change in the encoded protein sequence. Algorithms developed to predict the effect of missense changes on protein structure and function all suggest that this variant is likely to be disruptive. The variant allele was found at a frequency of 0.00034 in 192498 control chromosomes (gnomAD). This frequency is not significantly higher than estimated for a pathogenic variant in AMACR causing AMACR-Related Disorders, allowing no conclusion about variant significance. c.154T>C has been observed in multiple individuals affected with clinical features of AMACR-Related Disorders (Ferdinandusse_2000, Davis_2022). These data indicate that the variant is very likely to be associated with disease. At least one publication reports experimental evidence evaluating an impact on protein function and this variant affected the AMACR protein function (Ferdinandusse_2000). The following publications have been ascertained in the context of this evaluation (PMID: 35641312, 10655068). ClinVar contains an entry for this variant (Variation ID: 5523). Based on the evidence outlined above, the variant was classified as pathogenic.

Revvity Omics, Revvity
Classification: Pathogenic. Last evaluated: 2025-05-28. Review status: criteria provided, single submitter. Criteria: ACMG Guidelines, 2015. Collection method: clinical testing. Allele origin: germline.

Variantyx, Inc.
Classification: Likely pathogenic for Autosomal recessive AMACR-related disorders. Last evaluated: 2025-03-28. Review status: criteria provided, single submitter. Criteria: Variantyx Assertion Criteria 2022. Collection method: clinical testing. Allele origin: germline.
Comment: This is a nonsynonymous variant in the AMACR gene (OMIM: 604489). Pathogenic variants in this gene have been associated with autosomal recessive AMACR-related disorders. This variant has been identified in the homozygous or compound heterozygous state in many unrelated individuals from the published literature (PMID: 20821052, 34732400, 30369941, 33047465) (PM3). Functional studies have shown that this variant alters AMACR protein function (PMID: 10655068) (PS3). Multiple computational algorithms predict a deleterious effect for this variant (REVEL score: 0.741) (PP3). This variant has a 0.1082% maximum allele frequency in non-founder control populations (PM2_Supporting). Based on the current evidence, this variant is classified as likely pathogenic for autosomal recessive AMACR-related disorders.

Blueprint Genetics
Classification: Pathogenic for AMACR-related disorders. Last evaluated: 2024-10-28. Review status: criteria provided, single submitter. Criteria: ACMG Guidelines, 2015. Collection method: clinical testing. Allele origin: germline. Affected: yes. Observed: 5 variant alleles.

Mayo Clinic Laboratories, Mayo Clinic
Classification: Pathogenic. Last evaluated: 2024-10-22. Review status: criteria provided, single submitter. Criteria: ACMG Guidelines, 2015. Collection method: clinical testing. Allele origin: germline. Observed: 1 variant allele.
Comment: PP3, PP4, PM2_supporting, PM3, PS3_supporting, PS4

Genetic Services Laboratory, University of Chicago
Classification: Pathogenic. Last evaluated: 2024-03-21. Review status: criteria provided, single submitter. Criteria: ACMG Guidelines, 2015. Collection method: clinical testing. Allele origin: germline. Affected: yes.
Comment: DNA sequence analysis of the AMACR gene demonstrated a sequence change, c.154T>C, in exon 1 that results in an amino acid change, p.Ser52Pro. The p.Ser52Pro change affects a moderately conserved amino acid residue located in a domain of the AMACR protein that is known to be functional. In-silico pathogenicity prediction tools (SIFT, PolyPhen2, Align GVGD, REVEL) provide contradictory results for the p.Ser52Pro substitution. This pathogenic sequence change has been previously described in the bi-allelic state in several individuals with AMACR-related disorders (PMID: 10655068, 20821052, 21576695, 21686617, 3036994). Functional studies indicate that this sequence change disrupts protein function (PMID: 10655068). This sequence change has been described in the gnomAD database with a frequency of 0.035% in the overall population (dbSNP rs121917814). These collective evidences indicate that this sequence change is pathogenic.

Laboratory for Molecular Medicine, Mass General Brigham Personalized Medicine
Classification: Likely pathogenic for Alpha-methylacyl-CoA racemase deficiency. Last evaluated: 2023-07-28. Review status: criteria provided, single submitter. Criteria: ACMG Guidelines, 2015. Collection method: clinical testing. Allele origin: germline. Inheritance: Autosomal recessive inheritance.
Comment: The p.Ser52Pro variant in AMACR has been reported in at least 7 homozygous individuals with alpha-methylacyl-CoA racemase deficiency, including six with adolescent or adult-onset symptoms and one infant with a severe congenital bile synthesis defect (selected publications: Ferdinandusse 2000 PMID: 10655068, Setchell 2003 PMID: 12512044, Clarke 2004 PMID: 15249642, Thompson 2008 PMID: 18032455, Smith 2010 PMID: 20821052, Dick 2011 PMID: 21576695). This variant has also been identified in 0.07% (50/68000) European chromosomes by gnomAD v3.1.2 and has been reported in ClinVar (Variation ID 5523). Computational prediction tools and conservation analyses do not provide strong support for or against an impact to the protein. In vitro functional studies, including using skin fibroblasts from patients, support an impact on protein function (Ferdinandusse 2000 PMID: 10655068, Clarke 2004 PMID: 15249642, Thompson 2008 PMID: 18032455). In summary, this variant meets criteria to be classified as likely pathogenic for autosomal recessive alpha-methylacyl-CoA racemase deficiency. ACMG/AMP criteria applied: PM3, PS3

GeneDx
Classification: Pathogenic. Last evaluated: 2023-07-27. Review status: criteria provided, single submitter. Criteria: GeneDx Variant Classification Process June 2021. Collection method: clinical testing. Allele origin: germline. Affected: yes.
Comment: Published functional studies demonstrate an undetectable residual enzyme activity compared to wild-type (Ferdinandusse et al., 2000); In silico analysis supports that this missense variant has a deleterious effect on protein structure/function; This variant is associated with the following publications: (PMID: 20821052, 15249642, 18032455, 10655068, 12512044, 23286897, 21576695, 31589614, 35641312, 30369941, 33047465, 21686617, 34732400)

MGZ Medical Genetics Center
Classification: Likely pathogenic for Alpha-methylacyl-CoA racemase deficiency. Last evaluated: 2022-06-23. Review status: criteria provided, single submitter. Criteria: ACMG Guidelines, 2015. Collection method: clinical testing. Allele origin: germline. Affected: yes. Observed: 2 variant alleles.
Comment: ACMG criteria applied: PS4, PS3_MOD, PM2_SUP, PP3

NM_014324.6(AMACR):c.154T>C (p.Ser52Pro)

Genes: AMACR (alpha-methylacyl-CoA racemase; minus strand), C1QTNF3-AMACR (C1QTNF3-AMACR readthrough (NMD candidate); minus strand). Cytogenetic location: 5p13.2.
Variant type: single nucleotide variant.
Coding change: c.154T>C on transcript NM_014324.6 (MANE Select); coding-DNA position 154, T replaced by C.
Protein change: p.Ser52Pro; replaces serine 52 with proline.
Molecular consequence: missense variant.
Genome position (GRCh38, 1-based): chr5:34,007,866, A>G on the plus strand (T>C on the coding strand, the complement: AMACR is on the minus strand). VCF-style: chr5-34007866-A-G. GRCh37 (hg19) VCF-style: chr5-34007971-A-G.
Other names: c.154T>C, p.Ser52Pro (NM_001167595.2, NM_203382.3); short protein forms S52P.
Identifiers: ClinVar variation 5523 (VCV000005523.30), dbSNP rs121917814, ClinGen allele CA117565.